The following is an entry in ClinVar:

ClinVar aggregate classification (germline): Conflicting classifications of pathogenicity. Review status: criteria provided, conflicting classifications (1 of 4 stars). 7 submissions from 7 submitters: Uncertain significance (1); Benign (1); Likely benign (3). 2 of the submissions do not count toward it. Last evaluated 2026-05-01.

Conditions:
Arterial calcification, generalized, of infancy, 1 (GACI1). Also called: Idiopathic Infantile Arterial Calcification. Identifiers: Orphanet 51608, MedGen C4551985, MONDO:0008817, OMIM 208000.

Submissions (7):

CeGaT Center for Human Genetics Tuebingen
Classification: Likely benign. Last evaluated: 2026-05-01. Review status: criteria provided, single submitter. Criteria: CeGaT Center For Human Genetics Tuebingen Variant Classification Criteria Version 2. Collection method: clinical testing. Allele origin: germline. Affected: yes. Observed: 1 variant allele.
Comment: ENPP1: BS2

Mayo Clinic Laboratories, Mayo Clinic
Classification: Likely benign. Last evaluated: 2025-09-07. Review status: criteria provided, single submitter. Criteria: ACMG Guidelines, 2015. Collection method: clinical testing. Allele origin: germline. Observed: 4 variant alleles.
Comment: BP3, BP4, BP7

Labcorp Genetics (formerly Invitae), Labcorp
Classification: Benign. Last evaluated: 2025-04-08. Review status: criteria provided, single submitter. Criteria: Invitae Variant Classification Sherloc (09022015). Collection method: clinical testing. Allele origin: germline.

Genomic Medicine Center of Excellence, King Faisal Specialist Hospital and Research Centre
Classification: Uncertain significance for Arterial calcification, generalized, of infancy, 1. Last evaluated: 2024-12-18. Review status: criteria provided, single submitter. Criteria: ACMG Guidelines, 2015. Collection method: clinical testing. Allele origin: germline.

Blueprint Genetics
Classification: Likely benign. Last evaluated: 2024-11-26. Review status: criteria provided, single submitter. Criteria: ACMG Guidelines, 2015. Collection method: clinical testing. Allele origin: germline.

Genome Diagnostics Laboratory, University Medical Center Utrecht
Classification: Likely benign. Review status: no assertion criteria provided. Collection method: clinical testing. Allele origin: germline. Affected: yes. Study: VKGL Data-share Consensus. Not counted in ClinVar's aggregate classification.

Joint Genome Diagnostic Labs from Nijmegen and Maastricht, Radboudumc and MUMC+
Classification: Likely benign. Review status: no assertion criteria provided. Collection method: clinical testing. Allele origin: germline. Affected: yes. Study: VKGL Data-share Consensus. Not counted in ClinVar's aggregate classification.

NM_006208.3(ENPP1):c.313+9GT[22]

Gene: ENPP1 (ectonucleotide pyrophosphatase/phosphodiesterase 1; plus strand). Cytogenetic location: 6q23.2.
Variant type: Microsatellite.
Coding change: c.313+9GT[22] on transcript NM_006208.3 (MANE Select); 22 copies in a row of the 2-base unit GT starting at c.313+9; the reference has 19 copies in a row; three copies, 6 bases duplicated.
Molecular consequence: intron variant.
Genome position (GRCh38, 1-based): chr6:131,847,889-131,847,894, GTGTGT duplicated; duplicating any 6 consecutive bases within chr6:131,847,857-131,847,894 gives the same sequence; the position shown is the placement nearest the transcript's 3' end. VCF-style (leftmost placement, unchanged base first): chr6-131847856-G-GGTGTGT. GRCh37 (hg19) VCF-style: chr6-132168996-G-GGTGTGT.
Other names: p.?; c.313+41_313+46dup (NM_006208.3).
Identifiers: ClinVar variation 355329 (VCV000355329.21), dbSNP rs59956343, ClinGen allele CA10625762.